The following is an entry in ClinVar:

ClinVar aggregate classification (germline): Uncertain significance (1 of 4 stars; one submission).

Conditions:
RAI1-related disorder. Also called: RAI1-related condition.

gnomAD v4.1: 11 of 1,611,060 alleles (0.00068%); highest among the groups gnomAD compares: African/African-American, 0.0027%; no homozygotes.

Submission:

PreventionGenetics, part of Exact Sciences
Classification: Uncertain significance for RAI1-related condition. Last evaluated: 2025-07-15. Review status: criteria provided, single submitter. Criteria: ACMG Guidelines, 2015. Collection method: clinical testing. Allele origin: germline.
Comment: The RAI1 c.3535G>A variant is predicted to result in the amino acid substitution p.Asp1179Asn. To our knowledge, this variant has not been reported in the literature. This variant is reported in 0.0051% of alleles in individuals of European (Finnish) descent in gnomAD. Although we suspect that this variant may be benign, at this time, the clinical significance of this variant is uncertain due to the absence of conclusive functional and genetic evidence.

NM_030665.4(RAI1):c.3535G>A (p.Asp1179Asn)

Gene: RAI1 (retinoic acid induced 1; plus strand). Cytogenetic location: 17p11.2.
Variant type: single nucleotide variant.
Coding change: c.3535G>A on transcript NM_030665.4 (MANE Select); coding-DNA position 3535, G replaced by A.
Protein change: p.Asp1179Asn; replaces aspartic acid 1179 with asparagine.
Molecular consequence: missense variant.
Genome position (GRCh38, 1-based): chr17:17,796,483, G>A. VCF-style: chr17-17796483-G-A. GRCh37 (hg19) VCF-style: chr17-17699797-G-A.
Other names: short protein forms D1179N.
Identifiers: ClinVar variation 4984799 (VCV004984799.1).
Genomic context (GRCh38, chr17:17,796,483, plus strand): 5'-AAGCGGCGGAGGCCCTCTGAGGGCCGGCTCCCCAACTGCCGTGCCACCAAGAAGCTCCTC[G>A]ACAACAGCCACTTGCCCGCCACATTCAAGGTCTCCAGCAGCCCCCAGAAGGAGGGCAGGG-3'
Protein context (NP_109590.3, residues 1169-1189): PNCRATKKLL[Asp1179Asn]NSHLPATFKV